The following is an entry in ClinVar:

NM_032383.5(HPS3):c.795_796del (p.Ser265fs)

Gene: HPS3 (HPS3 biogenesis of lysosomal organelles complex 2 subunit 1; plus strand). Cytogenetic location: 3q24.
Variant type: Deletion.
Coding change: c.795_796del on transcript NM_032383.5 (MANE Select); coding-DNA positions 795 to 796, 2 bases deleted (TG; older notation c.795_796delTG).
Protein change: p.Ser265fs; shifts the reading frame from serine 265.
Molecular consequence: frameshift variant.
Genome position (GRCh38, 1-based): chr3:149,141,099-149,141,100, TG deleted; deleting any 2 consecutive bases within chr3:149,141,098-149,141,100 gives the same sequence; the c. name uses the placement nearest the transcript's 3' end. VCF-style (leftmost placement, unchanged base first): chr3-149141097-AGT-A. GRCh37 (hg19) VCF-style: chr3-148858884-AGT-A.
Other names: c.300_301del, p.Ser100fs (NM_001308258.2); short protein forms S100fs, S265fs.
Identifiers: ClinVar variation 1725413 (VCV001725413.2), dbSNP rs2473072448, ClinGen allele CA2580068909.
Genomic context (GRCh38, chr3:149,141,097, plus strand): 5'-CAGCTTGAGTCAGATGATTTTGTCATCTGCCAGAAGCCCCTGGAACTTCTTGGTGAAAAA[AGT>A]GAACAGTCTGGATTATCTGTTACACTGGAGTCTACGGGATTAGCTGATGAAAAAAGAAAA-3'

ClinVar aggregate classification (germline): Likely pathogenic (1 of 4 stars; one submission).

Conditions:
Hermansky-Pudlak syndrome 3 (HPS3). Identifiers: Orphanet 231512, Orphanet 79430, MedGen C3888001, MONDO:0013555, OMIM 614072.

Submission:

Myriad Genetics, Inc.
Classification: Likely pathogenic for Hermansky-Pudlak syndrome 3. Last evaluated: 2021-12-03. Review status: criteria provided, single submitter. Criteria: Myriad Women's Health Autosomal Recessive and X-Linked Classification Criteria (2021). Collection method: clinical testing. Allele origin: unknown.
Comment: NM_032383.3(HPS3):c.795_796delTG(S265Rfs*16) is expected to be pathogenic in the context of Hermansky-Pudlak syndrome type 3. This variant is predicted to lead to an abnormal or absent protein product due to the creation of a premature termination codon in HPS3, a gene where loss-of-function variants are known to be pathogenic. Please note: this variant was assessed in the context of healthy population screening.